The following is an entry in ClinVar:

ClinVar aggregate classification (germline): Uncertain significance. Review status: criteria provided, multiple submitters, no conflicts (2 of 4 stars). 3 submissions from 3 submitters: Uncertain significance (3). Last evaluated 2024-03-06.

Conditions:
Hereditary cancer-predisposing syndrome. Also called: Tumor predisposition; Hereditary neoplastic syndrome; Hereditary Cancer Syndrome; Neoplastic Syndromes, Hereditary. Identifiers: Orphanet 140162, MedGen C0027672, MeSH D009386, MONDO:0015356.
Hereditary nonpolyposis colorectal neoplasms. Identifiers: MedGen C0009405, MeSH D003123.

gnomAD v4.1: 1 of 1,614,084 alleles (0.000062%); highest among the groups gnomAD compares: Non-Finnish European, 0.000085%; no homozygotes.

Submissions (3):

Color Diagnostics, LLC DBA Color Health
Classification: Uncertain significance for Hereditary cancer-predisposing syndrome. Last evaluated: 2024-03-06. Review status: criteria provided, single submitter. Criteria: ACMG Guidelines, 2015. Collection method: clinical testing. Allele origin: germline.
Comment: This missense variant replaces glutamine with histidine at codon 604 of the PMS2 protein. Computational prediction suggests that this variant may not impact protein structure and function (internally defined REVEL score threshold <= 0.5, PMID: 27666373). To our knowledge, functional studies have not been reported for this variant. This variant has not been reported in individuals affected with hereditary cancer in the literature. This variant has not been identified in the general population by the Genome Aggregation Database (gnomAD). The available evidence is insufficient to determine the role of this variant in disease conclusively. Therefore, this variant is classified as a Variant of Uncertain Significance.

Labcorp Genetics (formerly Invitae), Labcorp
Classification: Uncertain significance for Hereditary nonpolyposis colorectal neoplasms. Last evaluated: 2023-11-24. Review status: criteria provided, single submitter. Criteria: Invitae Variant Classification Sherloc (09022015). Collection method: clinical testing. Allele origin: germline.
Comment: This sequence change replaces glutamine, which is neutral and polar, with histidine, which is basic and polar, at codon 604 of the PMS2 protein (p.Gln604His). This variant is not present in population databases (gnomAD no frequency). This variant has not been reported in the literature in individuals affected with PMS2-related conditions. ClinVar contains an entry for this variant (Variation ID: 1171574). Advanced modeling of protein sequence and biophysical properties (such as structural, functional, and spatial information, amino acid conservation, physicochemical variation, residue mobility, and thermodynamic stability) performed at Invitae indicates that this missense variant is not expected to disrupt PMS2 protein function with a negative predictive value of 80%. In summary, the available evidence is currently insufficient to determine the role of this variant in disease. Therefore, it has been classified as a Variant of Uncertain Significance.

Ambry Genetics
Classification: Uncertain significance for Hereditary cancer-predisposing syndrome. Last evaluated: 2023-04-26. Review status: criteria provided, single submitter. Criteria: Ambry Variant Classification Scheme 2023. Collection method: clinical testing. Allele origin: germline.
Comment: The p.Q604H variant (also known as c.1812G>C), located in coding exon 11 of the PMS2 gene, results from a G to C substitution at nucleotide position 1812. The glutamine at codon 604 is replaced by histidine, an amino acid with highly similar properties. This amino acid position is conserved. In addition, this alteration is predicted to be tolerated by in silico analysis. Since supporting evidence is limited at this time, the clinical significance of this alteration remains unclear.

NM_000535.7(PMS2):c.1812G>C (p.Gln604His)

Gene: PMS2 (PMS1 homolog 2, mismatch repair system component; minus strand). Cytogenetic location: 7p22.1.
Variant type: single nucleotide variant.
Coding change: c.1812G>C on transcript NM_000535.7 (MANE Select); coding-DNA position 1812, G replaced by C.
Protein change: p.Gln604His; replaces glutamine 604 with histidine.
Molecular consequence: missense variant. On other transcripts: non-coding transcript variant (1).
Genome position (GRCh38, 1-based): chr7:5,986,953, C>G on the plus strand (G>C on the coding strand, the complement: PMS2 is on the minus strand). VCF-style: chr7-5986953-C-G. GRCh37 (hg19) VCF-style: chr7-6026584-C-G.
Other names: c.1407G>C, p.Gln469His (NM_001322003.2, NM_001322004.2, NM_001322005.2 and 1 more transcripts); c.1656G>C, p.Gln552His (NM_001322006.2); c.1494G>C, p.Gln498His (NM_001322007.2, NM_001322008.2); c.1251G>C, p.Gln417His (NM_001322010.2); c.879G>C, p.Gln293His (NM_001322011.2, NM_001322012.2); c.1239G>C, p.Gln413His (NM_001322013.2); c.1812G>C, p.Gln604His (NM_001322014.2); c.1503G>C, p.Gln501His (NM_001322015.2); and 1 more; short protein forms Q293H, Q413H, Q417H, Q469H, Q498H, Q501H, Q552H, Q604H.
Identifiers: ClinVar variation 1171574 (VCV001171574.8), dbSNP rs63750788, ClinGen allele CA366739732.
Genomic context (GRCh38, chr7:5,986,953, plus strand): 5'-AGAACTCATAGAAAAGTCCAGGGGCACAACTTTCTTATTAATTTTCACAGCTACATCAAC[C>G]TGAGAGGCTGACATGTCCTGAGTATTTACTAACTTTTGACAAATGTCAGAACTGGAAAGA-3'
Protein context (NP_000526.2, residues 594-614): LVNTQDMSAS[Gln604His]VDVAVKINKK